The following is an entry in ClinVar:

ClinVar aggregate classification (germline): Uncertain significance (1 of 4 stars; one submission).

gnomAD v4.1: 1 of 1,612,296 alleles (0.000062%); no homozygotes.

Submission:

CeGaT Center for Human Genetics Tuebingen
Classification: Uncertain significance. Last evaluated: 2022-12-01. Review status: criteria provided, single submitter. Criteria: CeGaT Center For Human Genetics Tuebingen Variant Classification Criteria Version 2. Collection method: clinical testing. Allele origin: germline. Affected: yes. Observed: 1 variant allele.
Comment: TMEM126B: PM2, PM3:Supporting, BP4

NM_018480.7(TMEM126B):c.169A>C (p.Ile57Leu)

Gene: TMEM126B (transmembrane protein 126B; plus strand). Cytogenetic location: 11q14.1.
Variant type: single nucleotide variant.
Coding change: c.169A>C on transcript NM_018480.7 (MANE Select); coding-DNA position 169, A replaced by C.
Protein change: p.Ile57Leu; replaces isoleucine 57 with leucine.
Molecular consequence: missense variant. On other transcripts: non-coding transcript variant (2), intron variant (2).
Genome position (GRCh38, 1-based): chr11:85,631,774, A>C. VCF-style: chr11-85631774-A-C. GRCh37 (hg19) VCF-style: chr11-85342818-A-C.
Other names: c.109A>C, p.Ile37Leu (NM_001193537.3, NM_001350395.2); c.79A>C, p.Ile27Leu (NM_001193538.3, NM_001256546.2, NM_001350396.2); c.169A>C, p.Ile57Leu (NM_001350394.2); c.66-2312A>C (NM_001256547.2); c.82-2312A>C (NM_001350393.1); short protein forms I27L, I37L, I57L.
Identifiers: ClinVar variation 2642239 (VCV002642239.24), dbSNP rs781414986, ClinGen allele CA381989698.